The following is an entry in ClinVar:

ClinVar aggregate classification (germline): Uncertain significance (1 of 4 stars; one submission).

Conditions:
Primary ciliary dyskinesia. Also called: Ciliary dyskinesia. Identifiers: Orphanet 244, MedGen C0008780, MONDO:0016575, HP:0012265.

Allele frequency attached by ClinVar (database versions not stated): gnomAD 0.00001; ExAC 0.00002; gnomAD exomes 0.00003; 1000 Genomes Project 30x 0.00016; 1000 Genomes Project 0.00020.
gnomAD v4.1: 16 of 1,614,196 alleles (0.00099%); highest among the groups gnomAD compares: South Asian, 0.015%; no homozygotes.

Submission:

Labcorp Genetics (formerly Invitae), Labcorp
Classification: Uncertain significance for Primary ciliary dyskinesia. Last evaluated: 2021-08-02. Review status: criteria provided, single submitter. Criteria: Invitae Variant Classification Sherloc (09022015). Collection method: clinical testing. Allele origin: germline.
Comment: In summary, the available evidence is currently insufficient to determine the role of this variant in disease. Therefore, it has been classified as a Variant of Uncertain Significance. Algorithms developed to predict the effect of missense changes on protein structure and function output the following: SIFT: "Deleterious"; PolyPhen-2: "Probably Damaging"; Align-GVGD: "Class C0". The alanine amino acid residue is found in multiple mammalian species, which suggests that this missense change does not adversely affect protein function. This variant has not been reported in the literature in individuals affected with DNAAF3-related conditions. This variant is present in population databases (rs537597795, ExAC 0.01%). This sequence change replaces glycine with alanine at codon 19 of the DNAAF3 protein (p.Gly19Ala). The glycine residue is weakly conserved and there is a small physicochemical difference between glycine and alanine.

NM_001256715.2(DNAAF3):c.-75G>C

Genes: DNAAF3 (dynein axonemal assembly factor 3; minus strand), DNAAF3-AS1 (DNAAF3 antisense RNA 1; plus strand). Cytogenetic location: 19q13.42.
Variant type: single nucleotide variant.
Coding change: c.-75G>C on transcript NM_001256715.2 (MANE Select); 75 bases upstream of the start codon, G replaced by C.
Molecular consequence: 5 prime UTR variant. On other transcripts: missense variant (2).
Genome position (GRCh38, 1-based): chr19:55,166,593, C>G on the plus strand (G>C on the coding strand, the complement: DNAAF3 is on the minus strand). VCF-style: chr19-55166593-C-G. GRCh37 (hg19) VCF-style: chr19-55677961-C-G.
Other names: c.56G>C, p.Gly19Ala (NM_001256714.1, NM_178837.4); c.-324G>C (NM_001256716.2); short protein forms G19A.
Identifiers: ClinVar variation 1435339 (VCV001435339.6), dbSNP rs537597795, ClinGen allele CA9668321.
Genomic context (GRCh38, chr19:55,166,593, plus strand): 5'-CAAATATCCCGGGACGCCCCTTCCTCTCTGCTCAGTGCAGCACTGTGGACCCGCGGCACT[C>G]CACAACCGCTGCCCAGAGTCCCCGCCCTTTTCGAGGAATCAAGCAATGGAAGCATGTGGG-3'